The following is an entry in ClinVar:

ClinVar aggregate classification (germline): Uncertain significance (1 of 4 stars; one submission).

Submission:

Labcorp Genetics (formerly Invitae), Labcorp
Classification: Uncertain significance. Last evaluated: 2020-10-10. Review status: criteria provided, single submitter. Criteria: Invitae Variant Classification Sherloc (09022015). Collection method: clinical testing. Allele origin: germline.
Comment: In summary, the available evidence is currently insufficient to determine the role of this variant in disease. Therefore, it has been classified as a Variant of Uncertain Significance. Algorithms developed to predict the effect of missense changes on protein structure and function (SIFT, PolyPhen-2, Align-GVGD) all suggest that this variant is likely to be disruptive, but these predictions have not been confirmed by published functional studies and their clinical significance is uncertain. This variant has not been reported in the literature in individuals with HOXB13-related conditions. This variant is not present in population databases (ExAC no frequency). This sequence change replaces arginine with methionine at codon 246 of the HOXB13 protein (p.Arg246Met). The arginine residue is highly conserved and there is a moderate physicochemical difference between arginine and methionine.

NM_006361.6(HOXB13):c.737G>T (p.Arg246Met)

Gene: HOXB13 (homeobox B13; minus strand). Cytogenetic location: 17q21.32.
Variant type: single nucleotide variant.
Coding change: c.737G>T on transcript NM_006361.6 (MANE Select); coding-DNA position 737, G replaced by T.
Protein change: p.Arg246Met; replaces arginine 246 with methionine.
Molecular consequence: missense variant.
Genome position (GRCh38, 1-based): chr17:48,726,908, C>A on the plus strand (G>T on the coding strand, the complement: HOXB13 is on the minus strand). VCF-style: chr17-48726908-C-A. GRCh37 (hg19) VCF-style: chr17-46804270-C-A.
Other names: short protein forms R246M.
Identifiers: ClinVar variation 1037851 (VCV001037851.8), dbSNP rs754598240, ClinGen allele CA400106165.